The following is an entry in ClinVar:

NM_139318.5(KCNH5):c.1679G>A (p.Arg560His)

Gene: KCNH5 (potassium voltage-gated channel subfamily H member 5; minus strand). Cytogenetic location: 14q23.2.
Variant type: single nucleotide variant.
Coding change: c.1679G>A on transcript NM_139318.5 (MANE Select); coding-DNA position 1679, G replaced by A.
Protein change: p.Arg560His; replaces arginine 560 with histidine.
Molecular consequence: missense variant.
Genome position (GRCh38, 1-based): chr14:62,802,472, C>T on the plus strand (G>A on the coding strand, the complement: KCNH5 is on the minus strand). VCF-style: chr14-62802472-C-T. GRCh37 (hg19) VCF-style: chr14-63269190-C-T.
Other names: c.1679G>A (NM_139318.4); c.1679G>A, p.Arg560His (NM_172375.3); short protein forms R560H.
Identifiers: ClinVar variation 4278299 (VCV004278299.2).

ClinVar aggregate classification (germline): Conflicting classifications of pathogenicity. Review status: criteria provided, conflicting classifications (1 of 4 stars). 2 submissions from 2 submitters: Likely pathogenic (1); Uncertain significance (1). Last evaluated 2026-05-15.

Conditions:
Metabolic crises, recurrent, with variable encephalomyopathic features and neurologic regression. Identifiers: MedGen C5193083, MONDO:0032736, OMIM 618416.
KCNH5-related disorder. Also called: KCNH5-related condition.

gnomAD v4.1: 3 of 1,614,112 alleles (0.00019%); highest among the groups gnomAD compares: Non-Finnish European, 0.00025%; no homozygotes.

Submissions (2):

PreventionGenetics, part of Exact Sciences
Classification: Uncertain significance for KCNH5-related condition. Last evaluated: 2026-05-15. Review status: criteria provided, single submitter. Criteria: ACMG Guidelines, 2015. Collection method: clinical testing. Allele origin: germline.
Comment: The KCNH5 c.1679G>A variant is predicted to result in the amino acid substitution p.Arg560His. To our knowledge, this variant has not been reported in the literature or in a large population database (gnomAD), indicating this variant is rare. At this time, the clinical significance of this variant is uncertain due to the absence of conclusive functional and genetic evidence.

Genomic Medicine Center of Excellence, King Faisal Specialist Hospital and Research Centre
Classification: Likely pathogenic for Metabolic crises, recurrent, with variable encephalomyopathic features and neurologic regression. Last evaluated: 2025-09-10. Review status: criteria provided, single submitter. Criteria: ACMG Guidelines, 2015. Collection method: clinical testing. Allele origin: germline.